The following is an entry in ClinVar:

NM_001122630.2(CDKN1C):c.832G>A (p.Gly278Ser)

Gene: CDKN1C (cyclin dependent kinase inhibitor 1C; minus strand). Cytogenetic location: 11p15.4.
Variant type: single nucleotide variant.
Coding change: c.832G>A on transcript NM_001122630.2 (MANE Select); coding-DNA position 832, G replaced by A.
Protein change: p.Gly278Ser; replaces glycine 278 with serine.
Molecular consequence: missense variant. On other transcripts: synonymous variant (1).
Genome position (GRCh38, 1-based): chr11:2,884,090, C>T on the plus strand (G>A on the coding strand, the complement: CDKN1C is on the minus strand). VCF-style: chr11-2884090-C-T. GRCh37 (hg19) VCF-style: chr11-2905320-C-T.
Other names: c.865G>A, p.Gly289Ser (NM_000076.2, NM_001362474.2); c.832G>A, p.Gly278Ser (NM_001122631.2); c.300G>A, p.Arg100= (NM_001362475.2); short protein forms G278S, G289S.
Identifiers: ClinVar variation 840908 (VCV000840908.9), dbSNP rs1391074477, ClinGen allele CA379144980.

ClinVar aggregate classification (germline): Uncertain significance (1 of 4 stars; one submission).

Conditions:
Beckwith-Wiedemann syndrome (BWS). Also called: Exomphalos macroglossia gigantism syndrome; EMG SYNDROME. Identifiers: Orphanet 116, MedGen C0004903, MONDO:0007534, OMIM 130650.

Allele frequency attached by ClinVar (database versions not stated): gnomAD exomes below 0.00001; TOPMed below 0.00001; gnomAD 0.00001.

Submission:

Labcorp Genetics (formerly Invitae), Labcorp
Classification: Uncertain significance for Beckwith-Wiedemann syndrome. Last evaluated: 2023-07-12. Review status: criteria provided, single submitter. Criteria: Invitae Variant Classification Sherloc (09022015). Collection method: clinical testing. Allele origin: germline.
Comment: ClinVar contains an entry for this variant (Variation ID: 840908). In summary, the available evidence is currently insufficient to determine the role of this variant in disease. Therefore, it has been classified as a Variant of Uncertain Significance. Advanced modeling of protein sequence and biophysical properties (such as structural, functional, and spatial information, amino acid conservation, physicochemical variation, residue mobility, and thermodynamic stability) performed at Invitae indicates that this missense variant is not expected to disrupt CDKN1C protein function. This variant has not been reported in the literature in individuals affected with CDKN1C-related conditions. This variant is not present in population databases (gnomAD no frequency). This sequence change replaces glycine, which is neutral and non-polar, with serine, which is neutral and polar, at codon 289 of the CDKN1C protein (p.Gly289Ser).